The following is an entry in ClinVar:

NM_001365999.1(SZT2):c.10072G>A (p.Gly3358Arg)

Gene: SZT2 (SZT2 subunit of KICSTOR complex; plus strand). Cytogenetic location: 1p34.2.
Variant type: single nucleotide variant.
Coding change: c.10072G>A on transcript NM_001365999.1 (MANE Select); coding-DNA position 10072, G replaced by A.
Protein change: p.Gly3358Arg; replaces glycine 3358 with arginine.
Molecular consequence: missense variant.
Genome position (GRCh38, 1-based): chr1:43,448,714, G>A. VCF-style: chr1-43448714-G-A. GRCh37 (hg19) VCF-style: chr1-43914385-G-A.
Other names: c.9901G>A, p.Gly3301Arg (NM_015284.4); c.9901G>A (NM_015284.3); short protein forms G3301R, G3358R.
Identifiers: ClinVar variation 1022465 (VCV001022465.9), dbSNP rs1656002483, ClinGen allele CA340046808.
Genomic context (GRCh38, chr1:43,448,714, plus strand): 5'-ATCAAAGTTCTCCTAAGCCGCTTCCCCCAGAGCTGTCGCCATTTCCAAAGCCCAGACTTG[G>A]GAACTCAGTACCTGGTAAGTCCCCTTGAGCTTCCTCTGAAAAGGGAAACACAGCAGAAAT-3'
Protein context (NP_001352928.1, residues 3348-3368): SCRHFQSPDL[Gly3358Arg]TQYLVVLNQK

ClinVar aggregate classification (germline): Uncertain significance. Review status: criteria provided, multiple submitters, no conflicts (2 of 4 stars). 2 submissions from 2 submitters: Uncertain significance (2). Last evaluated 2023-09-29.

Conditions:
Inborn genetic diseases. Identifiers: MedGen C0950123, MeSH D030342.

Allele frequency attached by ClinVar (database versions not stated): gnomAD exomes below 0.00001.
gnomAD v4.1: 1 of 1,614,208 alleles (0.000062%); highest among the groups gnomAD compares: Non-Finnish European, 0.000085%; no homozygotes.

Submissions (2):

Ambry Genetics
Classification: Uncertain significance for Inborn genetic diseases. Last evaluated: 2023-09-29. Review status: criteria provided, single submitter. Criteria: Ambry Variant Classification Scheme 2023. Collection method: clinical testing. Allele origin: germline.

Labcorp Genetics (formerly Invitae), Labcorp
Classification: Uncertain significance. Last evaluated: 2020-07-13. Review status: criteria provided, single submitter. Criteria: Invitae Variant Classification Sherloc (09022015). Collection method: clinical testing. Allele origin: germline.
Comment: In summary, the available evidence is currently insufficient to determine the role of this variant in disease. Therefore, it has been classified as a Variant of Uncertain Significance. Algorithms developed to predict the effect of missense changes on protein structure and function are either unavailable or do not agree on the potential impact of this missense change (SIFT: "Deleterious"; PolyPhen-2: "Benign"; Align-GVGD: "Class C25"). This variant has not been reported in the literature in individuals with SZT2-related conditions. This variant is not present in population databases (ExAC no frequency). This sequence change replaces glycine with arginine at codon 3301 of the SZT2 protein (p.Gly3301Arg). The glycine residue is highly conserved and there is a moderate physicochemical difference between glycine and arginine.